The following is an entry in ClinVar:

NM_001943.5(DSG2):c.283A>G (p.Thr95Ala)

Gene: DSG2 (desmoglein 2; plus strand). Cytogenetic location: 18q12.1.
Variant type: single nucleotide variant.
Coding change: c.283A>G on transcript NM_001943.5 (MANE Select); coding-DNA position 283, A replaced by G.
Protein change: p.Thr95Ala; replaces threonine 95 with alanine.
Molecular consequence: missense variant.
Genome position (GRCh38, 1-based): chr18:31,520,869, A>G. VCF-style: chr18-31520869-A-G. GRCh37 (hg19) VCF-style: chr18-29100832-A-G.
Other names: short protein forms T95A.
Identifiers: ClinVar variation 2418700 (VCV002418700.6), dbSNP rs946331313, ClinGen allele CA297729033.

ClinVar aggregate classification (germline): Uncertain significance. Review status: criteria provided, multiple submitters, no conflicts (2 of 4 stars). 2 submissions from 2 submitters: Uncertain significance (2). Last evaluated 2025-07-09.

Conditions:
Arrhythmogenic right ventricular dysplasia 10. Also called: Arrhythmogenic Right Ventricular Dysplasia/Cardiomyopathy10; ARRHYTHMOGENIC RIGHT VENTRICULAR DYSPLASIA, FAMILIAL, 10; Arrhythmogenic right ventricular dysplasia/cardiomyopathy, type 10. Identifiers: MedGen C1857777, MONDO:0012434, OMIM 610193.
Cardiomyopathy (CMYO). Also called: Cardiomyopathies. Identifiers: Orphanet 167848, MedGen C0878544, MONDO:0004994, HP:0001638. Inheritance: Various modes of inheritance.

Allele frequency attached by ClinVar (database versions not stated): gnomAD exomes below 0.00001.
gnomAD v4.1: 2 of 1,613,860 alleles (0.00012%); highest among the groups gnomAD compares: Admixed American, 0.0033%; no homozygotes.

Submissions (2):

Color Diagnostics, LLC DBA Color Health
Classification: Uncertain significance for Cardiomyopathy. Last evaluated: 2025-07-09. Review status: criteria provided, single submitter. Criteria: ACMG Guidelines, 2015. Collection method: clinical testing. Allele origin: germline.
Comment: This missense variant replaces threonine with alanine at codon 95 of the DSG2 protein. Computational prediction suggests that this variant may not impact protein structure and function. To our knowledge, functional studies have not been reported for this variant. This variant has been reported in an individual suspected to be affected with long QT syndrome (PMID: 31376648). This variant has not been identified in the general population by the Genome Aggregation Database (gnomAD). The available evidence is insufficient to determine the role of this variant in disease conclusively. Therefore, this variant is classified as a Variant of Uncertain Significance.

Labcorp Genetics (formerly Invitae), Labcorp
Classification: Uncertain significance for Arrhythmogenic right ventricular dysplasia 10. Last evaluated: 2024-06-02. Review status: criteria provided, single submitter. Criteria: Invitae Variant Classification Sherloc (09022015). Collection method: clinical testing. Allele origin: germline.
Comment: This sequence change replaces threonine, which is neutral and polar, with alanine, which is neutral and non-polar, at codon 95 of the DSG2 protein (p.Thr95Ala). This variant is not present in population databases (gnomAD no frequency). This variant has not been reported in the literature in individuals affected with DSG2-related conditions. ClinVar contains an entry for this variant (Variation ID: 2418700). Advanced modeling of protein sequence and biophysical properties (such as structural, functional, and spatial information, amino acid conservation, physicochemical variation, residue mobility, and thermodynamic stability) performed at Invitae indicates that this missense variant is not expected to disrupt DSG2 protein function with a negative predictive value of 95%. In summary, the available evidence is currently insufficient to determine the role of this variant in disease. Therefore, it has been classified as a Variant of Uncertain Significance.

Literature cited by the submitters: PubMed 31376648 (cited by Color Diagnostics, LLC DBA Color Health).